The following is an entry in ClinVar:

ClinVar aggregate classification (germline): Uncertain significance (1 of 4 stars; one submission).

Conditions:
Arrhythmogenic right ventricular dysplasia 13. Also called: Arrhythmogenic right ventricular dysplasia, familial, 13; ARRHYTHMOGENIC RIGHT VENTRICULAR CARDIOMYOPATHY 13. Identifiers: MedGen C3810138, MONDO:0000908, OMIM 615616.

gnomAD v4.1: 2 of 1,613,988 alleles (0.00012%); highest among the groups gnomAD compares: East Asian, 0.0045%; no homozygotes.

Submission:

Labcorp Genetics (formerly Invitae), Labcorp
Classification: Uncertain significance for Arrhythmogenic right ventricular dysplasia 13. Last evaluated: 2025-01-17. Review status: criteria provided, single submitter. Criteria: Invitae Variant Classification Sherloc (09022015). Collection method: clinical testing. Allele origin: germline.
Comment: This sequence change replaces glycine, which is neutral and non-polar, with valine, which is neutral and non-polar, at codon 542 of the CTNNA3 protein (p.Gly542Val). This variant is present in population databases (rs750542481, gnomAD 0.02%). This variant has not been reported in the literature in individuals affected with CTNNA3-related conditions. Invitae Evidence Modeling of protein sequence and biophysical properties (such as structural, functional, and spatial information, amino acid conservation, physicochemical variation, residue mobility, and thermodynamic stability) indicates that this missense variant is expected to disrupt CTNNA3 protein function with a positive predictive value of 80%. In summary, the available evidence is currently insufficient to determine the role of this variant in disease. Therefore, it has been classified as a Variant of Uncertain Significance.

NM_013266.4(CTNNA3):c.1625G>T (p.Gly542Val)

Gene: CTNNA3 (catenin alpha 3; minus strand). Cytogenetic location: 10q21.3.
Variant type: single nucleotide variant.
Coding change: c.1625G>T on transcript NM_013266.4 (MANE Select); coding-DNA position 1625, G replaced by T.
Protein change: p.Gly542Val; replaces glycine 542 with valine.
Molecular consequence: missense variant.
Genome position (GRCh38, 1-based): chr10:66,379,259, C>A on the plus strand (G>T on the coding strand, the complement: CTNNA3 is on the minus strand). VCF-style: chr10-66379259-C-A. GRCh37 (hg19) VCF-style: chr10-68139017-C-A.
Other names: c.1625G>T, p.Gly542Val (NM_001127384.3); short protein forms G542V.
Identifiers: ClinVar variation 3716438 (VCV003716438.2).